The following is an entry in ClinVar:

NM_002691.4(POLD1):c.1641C>T (p.Leu547=)

Gene: POLD1 (DNA polymerase delta 1, catalytic subunit; plus strand). Cytogenetic location: 19q13.33.
Variant type: single nucleotide variant.
Coding change: c.1641C>T on transcript NM_002691.4 (MANE Select); coding-DNA position 1641, C replaced by T.
Protein change: p.Leu547=; no amino-acid change (leucine 547 retained).
Molecular consequence: synonymous variant. On other transcripts: non-coding transcript variant (1).
Genome position (GRCh38, 1-based): chr19:50,407,129, C>T. VCF-style: chr19-50407129-C-T. GRCh37 (hg19) VCF-style: chr19-50910386-C-T.
Other names: c.1641C>T, p.Leu547= (NM_001256849.1, NM_001308632.1).
Identifiers: ClinVar variation 515925 (VCV000515925.14), dbSNP rs770573148, ClinGen allele CA9596193.

ClinVar aggregate classification (germline): Benign/Likely benign. Review status: criteria provided, multiple submitters, no conflicts (2 of 4 stars). 5 submissions from 5 submitters: Benign (1); Likely benign (4). Last evaluated 2025-08-07.

Conditions:
POLD1-related polyposis and colorectal cancer syndrome (CRCS10). Also called: Colorectal cancer 10; COLORECTAL CANCER, SUSCEPTIBILITY TO, ON CHROMOSOME 19q; Colorectal cancer, susceptibility to, 10. Identifiers: Orphanet 220460, MedGen C2675481, MONDO:0012953, OMIM 612591.
Mandibular hypoplasia-deafness-progeroid syndrome. Also called: Mandibular hypoplasia, deafness, progeroid features, and lipodystrophy syndrome. Identifiers: Orphanet 363649, MedGen C3715192, MONDO:0014157, OMIM 615381.
Immunodeficiency 120. Identifiers: MedGen C5935622, MONDO:0970994, OMIM 620836.
Hereditary cancer-predisposing syndrome. Also called: Tumor predisposition; Hereditary Cancer Syndrome; Hereditary neoplastic syndrome; Neoplastic Syndromes, Hereditary. Identifiers: Orphanet 140162, MedGen C0027672, MeSH D009386, MONDO:0015356.

Allele frequency attached by ClinVar (database versions not stated): ExAC 0.00001; gnomAD exomes 0.00001; TOPMed 0.00002.
gnomAD v4.1: 8 of 1,613,094 alleles (0.0005%); highest among the groups gnomAD compares: South Asian, 0.0077%; no homozygotes.

Submissions (5):

Labcorp Genetics (formerly Invitae), Labcorp
Classification: Likely benign for POLD1-related polyposis and colorectal cancer syndrome. Last evaluated: 2025-08-07. Review status: criteria provided, single submitter. Criteria: Invitae Variant Classification Sherloc (09022015). Collection method: clinical testing. Allele origin: germline.

Myriad Genetics, Inc.
Classification: Benign for POLD1-related polyposis and colorectal cancer syndrome. Last evaluated: 2025-02-07. Review status: criteria provided, single submitter. Criteria: Myriad Autosomal Dominant, Autosomal Recessive and X-Linked Classification Criteria (2023). Collection method: clinical testing. Allele origin: unknown.
Comment: This variant is considered benign. This variant is a silent/synonymous amino acid change and it is not expected to impact splicing.

Department of Pathology and Laboratory Medicine, Sinai Health System
Classification: Likely benign for POLD1-related polyposis and colorectal cancer syndrome; Mandibular hypoplasia-deafness-progeroid syndrome; Immunodeficiency 120. Last evaluated: 2024-11-19. Review status: criteria provided, single submitter. Criteria: ACMG Guidelines, 2015. Collection method: clinical testing. Allele origin: germline.

Ambry Genetics
Classification: Likely benign for Hereditary cancer-predisposing syndrome. Last evaluated: 2020-12-17. Review status: criteria provided, single submitter. Criteria: Ambry Variant Classification Scheme 2023. Collection method: clinical testing. Allele origin: germline.

GeneDx
Classification: Likely benign. Last evaluated: 2018-03-05. Review status: criteria provided, single submitter. Criteria: GeneDx Variant Classification (06012015). Collection method: clinical testing. Allele origin: germline. Affected: yes.
Comment: This variant is considered likely benign or benign based on one or more of the following criteria: it is a conservative change, it occurs at a poorly conserved position in the protein, it is predicted to be benign by multiple in silico algorithms, and/or has population frequency not consistent with disease.